The following is an entry in ClinVar:

NM_000195.5(HPS1):c.1379A>G (p.Glu460Gly)

Gene: HPS1 (HPS1 biogenesis of lysosomal organelles complex 3 subunit 1; minus strand). Cytogenetic location: 10q24.2.
Variant type: single nucleotide variant.
Coding change: c.1379A>G on transcript NM_000195.5 (MANE Select); coding-DNA position 1379, A replaced by G.
Protein change: p.Glu460Gly; replaces glutamic acid 460 with glycine.
Molecular consequence: missense variant.
Genome position (GRCh38, 1-based): chr10:98,424,331, T>C on the plus strand (A>G on the coding strand, the complement: HPS1 is on the minus strand). VCF-style: chr10-98424331-T-C. GRCh37 (hg19) VCF-style: chr10-100184088-T-C.
Other names: c.407A>G, p.Glu136Gly (NM_001311345.2, NM_001322487.2, NM_001322489.2); c.1379A>G, p.Glu460Gly (NM_001322476.2, NM_001322477.2); c.1280A>G, p.Glu427Gly (NM_001322478.2, NM_001322479.2); c.1118A>G, p.Glu373Gly (NM_001322480.2, NM_001322481.2); c.1019A>G, p.Glu340Gly (NM_001322482.2); c.1010A>G, p.Glu337Gly (NM_001322483.2, NM_001322484.2); c.911A>G, p.Glu304Gly (NM_001322485.2); short protein forms E136G, E337G, E340G, E373G, E460G, E304G, E427G.
Identifiers: ClinVar variation 1363794 (VCV001363794.3), dbSNP rs1427406264, ClinGen allele CA378046791.
Genomic context (GRCh38, chr10:98,424,331, plus strand): 5'-TGGGCACACGACCCACCCCTTGTCCTGAGGCCCACCACTCACTCCCAGGAGGATCCGGGC[T>C]CACTTTTGGAGAAAGCCTTGGCCTTAAACTCCAGCCAGGTGCTCTGGAAGGAAGACAGGG-3'
Protein context (NP_000186.2, residues 450-470): EFKAKAFSKS[Glu460Gly]PGSSWELLQA

ClinVar aggregate classification (germline): Uncertain significance (1 of 4 stars; one submission).

Allele frequency attached by ClinVar (database versions not stated): gnomAD 0.00001; TOPMed 0.00001.
gnomAD v4.1: 1 of 1,612,710 alleles (0.000062%); highest among the groups gnomAD compares: Non-Finnish European, 0.000085%; no homozygotes.

Submission:

Labcorp Genetics (formerly Invitae), Labcorp
Classification: Uncertain significance. Last evaluated: 2021-12-20. Review status: criteria provided, single submitter. Criteria: Invitae Variant Classification Sherloc (09022015). Collection method: clinical testing. Allele origin: germline.
Comment: This sequence change replaces glutamic acid, which is acidic and polar, with glycine, which is neutral and non-polar, at codon 460 of the HPS1 protein (p.Glu460Gly). This variant is not present in population databases (gnomAD no frequency). This variant has not been reported in the literature in individuals affected with HPS1-related conditions. Algorithms developed to predict the effect of missense changes on protein structure and function (SIFT, PolyPhen-2, Align-GVGD) all suggest that this variant is likely to be tolerated. In summary, the available evidence is currently insufficient to determine the role of this variant in disease. Therefore, it has been classified as a Variant of Uncertain Significance.